The following is an entry in ClinVar:

ClinVar aggregate classification (germline): Uncertain significance (1 of 4 stars; one submission).

Conditions:
Weaver syndrome (WVS). Also called: Weaver Smith syndrome; Overgrowth syndrome with accelerated skeletal maturation, unusual facies, and camptodactyly. Identifiers: Orphanet 3447, MedGen C0265210, MONDO:0010193, OMIM 277590.

Allele frequency attached by ClinVar (database versions not stated): gnomAD 0.00001; TOPMed 0.00001.
gnomAD v4.1: 1 of 1,611,086 alleles (0.000062%); highest among the groups gnomAD compares: African/African-American, 0.0013%; no homozygotes.

Submission:

Labcorp Genetics (formerly Invitae), Labcorp
Classification: Uncertain significance for Weaver syndrome. Last evaluated: 2024-04-12. Review status: criteria provided, single submitter. Criteria: Invitae Variant Classification Sherloc (09022015). Collection method: clinical testing. Allele origin: germline.
Comment: This sequence change replaces valine, which is neutral and non-polar, with isoleucine, which is neutral and non-polar, at codon 104 of the EZH2 protein (p.Val104Ile). This variant is not present in population databases (gnomAD no frequency). This variant has not been reported in the literature in individuals affected with EZH2-related conditions. An algorithm developed to predict the effect of missense changes on protein structure and function (PolyPhen-2) suggests that this variant is likely to be disruptive. In summary, the available evidence is currently insufficient to determine the role of this variant in disease. Therefore, it has been classified as a Variant of Uncertain Significance.

NM_004456.5(EZH2):c.310G>A (p.Val104Ile)

Gene: EZH2 (enhancer of zeste 2 polycomb repressive complex 2 subunit; minus strand). Cytogenetic location: 7q36.1.
Variant type: single nucleotide variant.
Coding change: c.310G>A on transcript NM_004456.5 (MANE Select); coding-DNA position 310, G replaced by A.
Protein change: p.Val104Ile; replaces valine 104 with isoleucine.
Molecular consequence: missense variant. On other transcripts: intron variant (1).
Genome position (GRCh38, 1-based): chr7:148,832,687, C>T on the plus strand (G>A on the coding strand, the complement: EZH2 is on the minus strand). VCF-style: chr7-148832687-C-T. GRCh37 (hg19) VCF-style: chr7-148529779-C-T.
Other names: c.310G>A, p.Val104Ile (NM_001203247.2); c.283G>A, p.Val95Ile (NM_001203248.2, NM_001203249.2); c.247-2839G>A (NM_152998.3); short protein forms V104I, V95I.
Identifiers: ClinVar variation 2917380 (VCV002917380.3), dbSNP rs968299371, ClinGen allele CA168861160.